The following is an entry in ClinVar:

ClinVar aggregate classification (germline): Uncertain significance (1 of 4 stars; one submission).

Submission:

Mayo Clinic Laboratories, Mayo Clinic
Classification: Uncertain significance. Last evaluated: 2024-01-30. Review status: criteria provided, single submitter. Criteria: ACMG Guidelines, 2015. Collection method: clinical testing. Allele origin: germline. Observed: 1 variant allele.
Comment: PM2

NM_015378.4(VPS13D):c.9250G>C (p.Gly3084Arg)

Gene: VPS13D (vacuolar protein sorting 13 homolog D; plus strand). Cytogenetic location: 1p36.22.
Variant type: single nucleotide variant.
Coding change: c.9250G>C on transcript NM_015378.4 (MANE Select); coding-DNA position 9250, G replaced by C.
Protein change: p.Gly3084Arg; replaces glycine 3084 with arginine.
Molecular consequence: missense variant.
Genome position (GRCh38, 1-based): chr1:12,349,193, G>C. VCF-style: chr1-12349193-G-C. GRCh37 (hg19) VCF-style: chr1-12409250-G-C.
Other names: p.Gly3084Arg; c.9175G>C, p.Gly3059Arg (NM_018156.4); short protein forms G3059R, G3084R.
Identifiers: ClinVar variation 3380893 (VCV003380893.1).
Genomic context (GRCh38, chr1:12,349,193, plus strand): 5'-CTGAAAGTGTTAACCCTTATTTCTGTGGCAGAGCCAGTGGTGCTTCCTGCTATCATGCCA[G>C]GGGATTCGTTTGCTGTGCCTTTACACCTCACTTCTTGGCGGCTACAGGCCCGGCCCAAAG-3'
Protein context (NP_056193.2, residues 3074-3094): KPVVLPAIMP[Gly3084Arg]DSFAVPLHLT